The following is an entry in ClinVar:

NM_000310.4(PPT1):c.455del (p.Cys152fs)

Gene: PPT1 (palmitoyl-protein thioesterase 1; minus strand). Cytogenetic location: 1p34.2.
Variant type: Deletion.
Coding change: c.455del on transcript NM_000310.4 (MANE Select); coding-DNA position 455, one base deleted (G; older notation c.455delG).
Protein change: p.Cys152fs; shifts the reading frame from cysteine 152.
Molecular consequence: frameshift variant.
Genome position (GRCh38, 1-based): chr1:40,089,491, C deleted on the plus strand (G on the coding strand, the reverse complement: PPT1 is on the minus strand). VCF-style (leftmost placement, unchanged base first): chr1-40089490-GC-G. GRCh37 (hg19) VCF-style: chr1-40555162-GC-G.
Other names: c.455delG (NM_000310.3); c.146del, p.Cys49fs (NM_001142604.2); c.455del, p.Cys152fs (NM_001363695.2); short protein forms C152fs, C49fs.
Identifiers: ClinVar variation 280344 (VCV000280344.10), dbSNP rs886041568, ClinGen allele CA10602776.

ClinVar aggregate classification (germline): Pathogenic/Likely pathogenic. Review status: criteria provided, multiple submitters, no conflicts (2 of 4 stars). 6 submissions from 6 submitters: Pathogenic (3); Likely pathogenic (2). 1 of the submissions does not count toward it. Last evaluated 2024-04-25.

Conditions:
Neuronal ceroid lipofuscinosis 1 (CLN1). Also called: PPT1-Related Neuronal Ceroid-Lipofuscinosis; CEROID LIPOFUSCINOSIS, NEURONAL, 1, VARIABLE AGE AT ONSET. Identifiers: Orphanet 228329, MedGen C1850451, MONDO:0009744, OMIM 256730.

Allele frequency attached by ClinVar (database versions not stated): gnomAD exomes below 0.00001.

Submissions (6):

Natera, Inc.
Classification: Likely pathogenic for Neuronal ceroid lipofuscinosis 1. Last evaluated: 2024-04-25. Review status: criteria provided, single submitter. Criteria: Natera Variant Classification Schema (03/2026). Collection method: clinical testing. Allele origin: germline.
Comment: The c.455delG variant in PPT1 is a frameshift variant predicted to shift the reading frame beginning at codon 152 and leads to a stop codon 16 codons downstream. This variant is expected to result in nonsense mediated decay, truncation, or a dysfunctional protein product. This variant is rare in the general population with a frequency below the threshold expected for the associated phenotype(s). Given the available evidence, this variant is classified as Likely Pathogenic.

Fulgent Genetics
Classification: Likely pathogenic for Neuronal ceroid lipofuscinosis 1. Last evaluated: 2024-04-15. Review status: criteria provided, single submitter. Criteria: ACMG Guidelines, 2015. Collection method: clinical testing. Allele origin: germline.

Baylor Genetics
Classification: Pathogenic for Neuronal ceroid lipofuscinosis 1. Last evaluated: 2023-10-14. Review status: criteria provided, single submitter. Criteria: ACMG Guidelines, 2015. Collection method: clinical testing. Allele origin: unknown.

Labcorp Genetics (formerly Invitae), Labcorp
Classification: Pathogenic for Neuronal ceroid lipofuscinosis 1. Last evaluated: 2023-06-12. Review status: criteria provided, single submitter. Criteria: Invitae Variant Classification Sherloc (09022015). Collection method: clinical testing. Allele origin: germline.
Comment: For these reasons, this variant has been classified as Pathogenic. ClinVar contains an entry for this variant (Variation ID: 280344). This variant has not been reported in the literature in individuals affected with PPT1-related conditions. This variant is not present in population databases (gnomAD no frequency). This sequence change creates a premature translational stop signal (p.Cys152Serfs*16) in the PPT1 gene. It is expected to result in an absent or disrupted protein product. Loss-of-function variants in PPT1 are known to be pathogenic (PMID: 10679943, 21990111).

GeneDx
Classification: Pathogenic. Last evaluated: 2016-03-04. Review status: criteria provided, single submitter. Criteria: GeneDx Variant Classification (06012015). Collection method: clinical testing. Allele origin: germline. Affected: yes.
Comment: The c.455delG pathogenic variant in the PPT1 gene has not been reported previously as a pathogenicvariant nor as a benign variant, to our knowledge. This variant causes a frameshift starting with codonCysteine 152, changes this amino acid to a Serine residue, and creates a premature Stop codon atposition 16 of the new reading frame, denoted p.Cys152SerfsX16. This variant is predicted to causeloss of normal protein function either through protein truncation or nonsense-mediated mRNA decay.The c.455delG variant was not observed in approximately 6500 individuals of European and AfricanAmerican ancestry in the NHLBI Exome Sequencing Project, indicating it is not a common benignvariant in these populations. We interpret c.455delG as a pathogenic variant.

Counsyl
Classification: Likely pathogenic for Neuronal ceroid lipofuscinosis 1. Last evaluated: 2015-02-11. Review status: no assertion criteria provided. Collection method: clinical testing. Allele origin: unknown. Not counted in ClinVar's aggregate classification.

Literature cited by the submitters: PubMed 10679943 (cited by Labcorp Genetics (formerly Invitae), Labcorp); PubMed 21990111 (cited by Labcorp Genetics (formerly Invitae), Labcorp).